The following is an entry in ClinVar:

NM_001136271.3(NKX2-6):c.64G>A (p.Glu22Lys)

Gene: NKX2-6 (NK2 homeobox 6; minus strand). Cytogenetic location: 8p21.2.
Variant type: single nucleotide variant.
Coding change: c.64G>A on transcript NM_001136271.3 (MANE Select); coding-DNA position 64, G replaced by A.
Protein change: p.Glu22Lys; replaces glutamic acid 22 with lysine.
Molecular consequence: missense variant.
Genome position (GRCh38, 1-based): chr8:23,706,535, C>T on the plus strand (G>A on the coding strand, the complement: NKX2-6 is on the minus strand). VCF-style: chr8-23706535-C-T. GRCh37 (hg19) VCF-style: chr8-23564048-C-T.
Other names: short protein forms E22K.
Identifiers: ClinVar variation 4765400 (VCV004765400.1).

ClinVar aggregate classification (germline): Uncertain significance (1 of 4 stars; one submission).

Conditions:
Conotruncal heart malformations (CTHM). Also called: Conotruncal heart malformations, variable. Identifiers: Orphanet 2445, Orphanet 3384, Orphanet 3426, MedGen C1857586, MONDO:0016581, OMIM 217095.

gnomAD v4.1: 29 of 1,536,884 alleles (0.0019%); highest among the groups gnomAD compares: Admixed American, 0.025%; 1 homozygote.

Submission:

Labcorp Genetics (formerly Invitae), Labcorp
Classification: Uncertain significance for Conotruncal heart malformations. Last evaluated: 2025-03-18. Review status: criteria provided, single submitter. Criteria: Invitae Variant Classification Sherloc (09022015). Collection method: clinical testing. Allele origin: germline.
Comment: This sequence change replaces glutamic acid, which is acidic and polar, with lysine, which is basic and polar, at codon 22 of the NKX2-6 protein (p.Glu22Lys). This variant is present in population databases (no rsID available, gnomAD 0.05%). This variant has not been reported in the literature in individuals affected with NKX2-6-related conditions. Invitae Evidence Modeling of protein sequence and biophysical properties (such as structural, functional, and spatial information, amino acid conservation, physicochemical variation, residue mobility, and thermodynamic stability) indicates that this missense variant is not expected to disrupt NKX2-6 protein function with a negative predictive value of 80%. In summary, the available evidence is currently insufficient to determine the role of this variant in disease. Therefore, it has been classified as a Variant of Uncertain Significance.